The following is an entry in ClinVar:

NM_006904.7(PRKDC):c.2812G>T (p.Val938Phe)

Gene: PRKDC (protein kinase, DNA-activated, catalytic subunit; minus strand). Cytogenetic location: 8q11.21.
Variant type: single nucleotide variant.
Coding change: c.2812G>T on transcript NM_006904.7 (MANE Select); coding-DNA position 2812, G replaced by T.
Protein change: p.Val938Phe; replaces valine 938 with phenylalanine.
Molecular consequence: missense variant.
Genome position (GRCh38, 1-based): chr8:47,912,532, C>A on the plus strand (G>T on the coding strand, the complement: PRKDC is on the minus strand). VCF-style: chr8-47912532-C-A. GRCh37 (hg19) VCF-style: chr8-48825092-C-A.
Other names: c.2812G>T, p.Val938Phe (NM_001081640.2); short protein forms V938F.
Identifiers: ClinVar variation 2449897 (VCV002449897.2), dbSNP rs2551876670, ClinGen allele CA371158909.

ClinVar aggregate classification (germline): Uncertain significance (1 of 4 stars; one submission).

Allele frequency attached by ClinVar (database versions not stated): gnomAD exomes below 0.00001.
gnomAD v4.1: 2 of 1,612,676 alleles (0.00012%); highest among the groups gnomAD compares: Non-Finnish European, 0.00017%; no homozygotes.

Submission:

Ambry Genetics
Classification: Uncertain significance. Last evaluated: 2023-02-25. Review status: criteria provided, single submitter. Criteria: Ambry Variant Classification Scheme 2023. Collection method: clinical testing. Allele origin: germline.
Comment: The p.V938F variant (also known as c.2812G>T), located in coding exon 25 of the PRKDC gene, results from a G to T substitution at nucleotide position 2812. The valine at codon 938 is replaced by phenylalanine, an amino acid with highly similar properties. This amino acid position is conserved. In addition, this alteration is predicted to be deleterious by in silico analysis. Since supporting evidence is limited at this time, the clinical significance of this alteration remains unclear.